The following is an entry in ClinVar:

ClinVar aggregate classification (germline): Likely pathogenic. Review status: criteria provided, multiple submitters, no conflicts (2 of 4 stars). 2 submissions from 2 submitters: Likely pathogenic (2). Last evaluated 2025-01-13.

Conditions:
TLK2-related disorder. Also called: TLK2-related condition.

Submissions (2):

PreventionGenetics, part of Exact Sciences
Classification: Likely pathogenic for TLK2-related condition. Last evaluated: 2025-01-13. Review status: criteria provided, single submitter. Criteria: ACMG Guidelines, 2015. Collection method: clinical testing. Allele origin: germline.
Comment: The TLK2 c.754C>T variant is predicted to result in premature protein termination (p.Gln252*). This variant has been reported in an individual with intellectual disability / global developmental delay (supplemental Table 4, Spataro et al. 2023. PubMed ID: 36980980). This variant has not been reported in a large population database (gnomAD), indicating this variant is rare. Nonsense variants in TLK2 are expected to be pathogenic. This variant is interpreted as likely pathogenic.

Genetics Laboratory, UDIAT-Centre Diagnòstic, Hospital Universitari Parc Tauli
Classification: Likely pathogenic. Last evaluated: 2021-04-26. Review status: criteria provided, single submitter. Criteria: Parc Tauli Hospital Assertion Criteria 2021. Collection method: clinical testing. Allele origin: maternal. Inheritance: Autosomal dominant inheritance. Affected: yes. Observed: 1 heterozygote.
Comment: PVS1_very strong;PM2_supporting

NM_006852.6(TLK2):c.754C>T (p.Gln252Ter)

Gene: TLK2 (tousled like kinase 2; plus strand). Cytogenetic location: 17q23.2.
Variant type: single nucleotide variant.
Coding change: c.754C>T on transcript NM_006852.6 (MANE Select); coding-DNA position 754, C replaced by T.
Protein change: p.Gln252Ter; replaces glutamine 252 with a stop codon.
Molecular consequence: nonsense.
Genome position (GRCh38, 1-based): chr17:62,560,049, C>T. VCF-style: chr17-62560049-C-T. GRCh37 (hg19) VCF-style: chr17-60637410-C-T.
Other names: c.754C>T (NM_006852.3); c.754C>T, p.Gln252Ter (NM_001284333.3, NM_001375270.1, NM_001375271.1); c.658C>T, p.Gln220Ter (NM_001284363.1, NM_001375272.1); c.307C>T, p.Gln103Ter (NM_001330418.3, NM_001375273.1); c.796C>T, p.Gln266Ter (NM_001375269.1); short protein forms Q103*, Q220*, Q252*, Q266*.
Identifiers: ClinVar variation 1098360 (VCV001098360.4), dbSNP rs2146338937, ClinGen allele CA400497975.